The following is an entry in ClinVar:

ClinVar aggregate classification (germline): Uncertain significance. Review status: criteria provided, multiple submitters, no conflicts (2 of 4 stars). 5 submissions from 5 submitters: Uncertain significance (5). Last evaluated 2024-10-09.

Conditions:
Inborn genetic diseases. Identifiers: MedGen C0950123, MeSH D030342.
Glycogen storage disease IXc (GSD9C). Also called: GSD IXc. Identifiers: Orphanet 264580, MedGen C2751643, MONDO:0013091, OMIM 613027.

Allele frequency attached by ClinVar (database versions not stated): ExAC 0.00012; gnomAD exomes 0.00017 and 0.00042; gnomAD 0.00021 and 0.00022; TOPMed 0.00023.

Submissions (5):

Blueprint Genetics
Classification: Uncertain significance. Last evaluated: 2024-10-09. Review status: criteria provided, single submitter. Criteria: ACMG Guidelines, 2015. Collection method: clinical testing. Allele origin: germline.

Ambry Genetics
Classification: Uncertain significance for Inborn genetic diseases. Last evaluated: 2022-07-13. Review status: criteria provided, single submitter. Criteria: Ambry Variant Classification Scheme 2023. Collection method: clinical testing. Allele origin: germline.
Comment: The c.127C>T (p.H43Y) alteration is located in exon 3 (coding exon 2) of the PHKG2 gene. This alteration results from a C to T substitution at nucleotide position 127, causing the histidine (H) at amino acid position 43 to be replaced by a tyrosine (Y). The p.H43Y alteration is predicted to be tolerated by in silico analysis. Based on insufficient or conflicting evidence, the clinical significance of this alteration remains unclear.

Fulgent Genetics
Classification: Uncertain significance for Glycogen storage disease IXc. Last evaluated: 2022-01-17. Review status: criteria provided, single submitter. Criteria: ACMG Guidelines, 2015. Collection method: clinical testing. Allele origin: unknown.

Labcorp Genetics (formerly Invitae), Labcorp
Classification: Uncertain significance for Glycogen storage disease IXc. Last evaluated: 2021-08-27. Review status: criteria provided, single submitter. Criteria: Invitae Variant Classification Sherloc (09022015). Collection method: clinical testing. Allele origin: germline.
Comment: This sequence change replaces histidine with tyrosine at codon 43 of the PHKG2 protein (p.His43Tyr). The histidine residue is highly conserved and there is a moderate physicochemical difference between histidine and tyrosine. This variant is present in population databases (rs202177461, ExAC 0.02%). This variant has not been reported in the literature in individuals affected with PHKG2-related conditions. Algorithms developed to predict the effect of missense changes on protein structure and function are either unavailable or do not agree on the potential impact of this missense change (SIFT: "Deleterious"; PolyPhen-2: "Probably Damaging"; Align-GVGD: "Class C0"). In summary, the available evidence is currently insufficient to determine the role of this variant in disease. Therefore, it has been classified as a Variant of Uncertain Significance.

Baylor Genetics
Classification: Uncertain significance for Glycogen storage disease IXc. Last evaluated: 2018-06-27. Review status: criteria provided, single submitter. Criteria: ACMG Guidelines, 2015. Collection method: clinical testing. Allele origin: unknown. Affected: yes.
Comment: This variant was determined to be of uncertain significance according to ACMG Guidelines, 2015 [PMID:25741868].

NM_000294.3(PHKG2):c.127C>T (p.His43Tyr)

Gene: PHKG2 (phosphorylase kinase catalytic subunit gamma 2; plus strand). Cytogenetic location: 16p11.2.
Variant type: single nucleotide variant.
Coding change: c.127C>T on transcript NM_000294.3 (MANE Select); coding-DNA position 127, C replaced by T.
Protein change: p.His43Tyr; replaces histidine 43 with tyrosine.
Molecular consequence: missense variant.
Genome position (GRCh38, 1-based): chr16:30,751,137, C>T. VCF-style: chr16-30751137-C-T. GRCh37 (hg19) VCF-style: chr16-30762458-C-T.
Other names: c.127C>T, p.His43Tyr (NM_001172432.2); short protein forms H43Y.
Identifiers: ClinVar variation 943254 (VCV000943254.9), dbSNP rs202177461, ClinGen allele CA8013040.
Genomic context (GRCh38, chr16:30,751,137, plus strand): 5'-TGACTTGTGCTATTTTCCGGCTCTTGCAGAGGAGTGAGCTCTGTGGTCCGCCGTTGTGTT[C>T]ATCGAGCTACTGGCCACGAGTTTGCGGTGAAGATTATGGAAGTGACAGCTGAGCGGCTGA-3'
Protein context (NP_000285.1, residues 33-53): GVSSVVRRCV[His43Tyr]RATGHEFAVK